The following is an entry in ClinVar:

NM_000642.3(AGL):c.680G>A (p.Trp227Ter)

Gene: AGL (amylo-alpha-1,6-glucosidase and 4-alpha-glucanotransferase; plus strand). Cytogenetic location: 1p21.2.
Variant type: single nucleotide variant.
Coding change: c.680G>A on transcript NM_000642.3 (MANE Select); coding-DNA position 680, G replaced by A.
Protein change: p.Trp227Ter; replaces tryptophan 227 with a stop codon.
Molecular consequence: nonsense.
Genome position (GRCh38, 1-based): chr1:99,870,415, G>A. VCF-style: chr1-99870415-G-A. GRCh37 (hg19) VCF-style: chr1-100335971-G-A.
Other names: c.476G>A, p.Trp159Ter (NM_001425328.1, NM_001425329.1); c.302G>A, p.Trp101Ter (NM_001425332.1); c.680G>A, p.Trp227Ter (NM_000028.3, NM_000643.3, NM_000644.3 and 3 more transcripts); c.632G>A, p.Trp211Ter (NM_000646.3); short protein forms W211*, W227*, W101*, W159*.
Identifiers: ClinVar variation 983786 (VCV000983786.3), dbSNP rs145929061, ClinGen allele CA341339191.

ClinVar aggregate classification (germline): Likely pathogenic (1 of 4 stars; one submission).

Conditions:
Glycogen storage disease type III (GSD3). Also called: Cori disease; FORBES DISEASE. Identifiers: Orphanet 366, MedGen C0017922, MONDO:0009291, OMIM 232400.

Submission:

Myriad Genetics, Inc.
Classification: Likely pathogenic for Glycogen storage disease type III. Last evaluated: 2019-10-09. Review status: criteria provided, single submitter. Criteria: Myriad Women's Health Autosomal Recessive and X-Linked Classification Criteria (2019). Collection method: clinical testing. Allele origin: unknown.
Comment: NM_000642.2(AGL):c.680G>A(W227*) is expected to be pathogenic in the context of glycogen storage disease type III. This variant is predicted to lead to an abnormal or absent protein product due to the creation of a premature termination codon in AGL, a gene where loss-of-function variants are known to be pathogenic. Please note: this variant was assessed in the context of healthy population screening.